The following is an entry in ClinVar:

NM_024675.4(PALB2):c.3047T>C (p.Phe1016Ser)

Gene: PALB2 (partner and localizer of BRCA2; minus strand). Cytogenetic location: 16p12.2.
Variant type: single nucleotide variant.
Coding change: c.3047T>C on transcript NM_024675.4 (MANE Select); coding-DNA position 3047, T replaced by C.
Protein change: p.Phe1016Ser; replaces phenylalanine 1016 with serine.
Molecular consequence: missense variant.
Genome position (GRCh38, 1-based): chr16:23,621,428, A>G on the plus strand (T>C on the coding strand, the complement: PALB2 is on the minus strand). VCF-style: chr16-23621428-A-G. GRCh37 (hg19) VCF-style: chr16-23632749-A-G.
Other names: short protein forms F1016S.
Identifiers: ClinVar variation 420578 (VCV000420578.18), dbSNP rs879254154, ClinGen allele CA16620119.

ClinVar aggregate classification (germline): Uncertain significance. Review status: criteria provided, multiple submitters, no conflicts (2 of 4 stars). 4 submissions from 4 submitters: Uncertain significance (4). Last evaluated 2024-12-28.

Conditions:
Familial cancer of breast. Also called: Hereditary breast cancer; BREAST CANCER, FAMILIAL; hereditary breast carcinoma. Identifiers: Orphanet 227535, MedGen C0346153, MONDO:0016419, OMIM 114480. Disease mechanism: loss of function.
Hereditary cancer-predisposing syndrome. Also called: Hereditary neoplastic syndrome; Tumor predisposition; Neoplastic Syndromes, Hereditary; Hereditary Cancer Syndrome. Identifiers: Orphanet 140162, MedGen C0027672, MeSH D009386, MONDO:0015356.

Submissions (4):

Labcorp Genetics (formerly Invitae), Labcorp
Classification: Uncertain significance for Familial cancer of breast. Last evaluated: 2024-12-28. Review status: criteria provided, single submitter. Criteria: Invitae Variant Classification Sherloc (09022015). Collection method: clinical testing. Allele origin: germline.
Comment: This sequence change replaces phenylalanine, which is neutral and non-polar, with serine, which is neutral and polar, at codon 1016 of the PALB2 protein (p.Phe1016Ser). This variant is not present in population databases (gnomAD no frequency). This missense change has been observed in individual(s) with breast cancer (PMID: 25666743). ClinVar contains an entry for this variant (Variation ID: 420578). Invitae Evidence Modeling of protein sequence and biophysical properties (such as structural, functional, and spatial information, amino acid conservation, physicochemical variation, residue mobility, and thermodynamic stability) indicates that this missense variant is expected to disrupt PALB2 protein function with a positive predictive value of 80%. In summary, the available evidence is currently insufficient to determine the role of this variant in disease. Therefore, it has been classified as a Variant of Uncertain Significance.

Ambry Genetics
Classification: Uncertain significance for Hereditary cancer-predisposing syndrome. Last evaluated: 2020-12-29. Review status: criteria provided, single submitter. Criteria: Ambry Variant Classification Scheme 2023. Collection method: clinical testing. Allele origin: germline.
Comment: The p.F1016S variant (also known as c.3047T>C), located in coding exon 10 of the PALB2 gene, results from a T to C substitution at nucleotide position 3047. The phenylalanine at codon 1016 is replaced by serine, an amino acid with highly dissimilar properties. This amino acid position is highly conserved in available vertebrate species. In addition, the in silico prediction for this alteration is inconclusive. Since supporting evidence is limited at this time, the clinical significance of this alteration remains unclear.

Color Diagnostics, LLC DBA Color Health
Classification: Uncertain significance for Hereditary cancer-predisposing syndrome. Last evaluated: 2018-11-28. Review status: criteria provided, single submitter. Criteria: ACMG Guidelines, 2015. Collection method: clinical testing. Allele origin: germline.

GeneDx
Classification: Uncertain significance. Last evaluated: 2016-11-17. Review status: criteria provided, single submitter. Criteria: GeneDx Variant Classification (06012015). Collection method: clinical testing. Allele origin: germline. Affected: yes.
Comment: This variant is denoted PALB2 c.3047T>C at the cDNA level, p.Phe1016Ser (F1016S) at the protein level, and results in the change of a Phenylalanine to a Serine (TTT>TCT). This variant has been observed in at least one individual with a personal history of early-onset breast cancer and a family history of breast, ovarian, and pancreatic cancer (Vietri 2015). PALB2 Phe1016Ser was not observed in approximately 6,500 individuals of European and African American ancestry in the NHLBI Exome Sequencing Project, suggesting it is not a common benign variant in these populations. Since Phenylalanine and Serine differ in polarity, charge, size or other properties, this is considered a non-conservative amino acid substitution. PALB2 Phe1016Ser occurs at a position that is conserved in mammals and is located within the region required for POLH DNA synthesis stimulation, the regions required for interaction with RAD51, BRCA2, and POLH, and within the WD-4 repeat (UniProt). In silico analyses predict that this variant is probably damaging to protein structure and function. Based on currently available evidence, it is unclear whether PALB2 Phe1016Ser is a pathogenic or benign variant. We consider it to be a variant of uncertain significance.

Literature cited by the submitters: PubMed 25666743 (cited by Labcorp Genetics (formerly Invitae), Labcorp and Ambry Genetics).